The following is an entry in ClinVar:

ClinVar aggregate classification (germline): Uncertain significance. Review status: criteria provided, multiple submitters, no conflicts (2 of 4 stars). 2 submissions from 2 submitters: Uncertain significance (2). Last evaluated 2024-12-04.

Conditions:
Inborn genetic diseases. Identifiers: MedGen C0950123, MeSH D030342.

Allele frequency attached by ClinVar (database versions not stated): gnomAD exomes 0.00001.
gnomAD v4.1: 6 of 1,614,048 alleles (0.00037%); highest among the groups gnomAD compares: Non-Finnish European, 0.00051%; no homozygotes.

Submissions (2):

Ambry Genetics
Classification: Uncertain significance for Inborn genetic diseases. Last evaluated: 2024-12-04. Review status: criteria provided, single submitter. Criteria: Ambry Variant Classification Scheme 2023. Collection method: clinical testing. Allele origin: germline.
Comment: The p.C1611G variant (also known as c.4831T>G), located in coding exon 32 of the ANKRD26 gene, results from a T to G substitution at nucleotide position 4831. The cysteine at codon 1611 is replaced by glycine, an amino acid with highly dissimilar properties. This amino acid position is conserved. In addition, this alteration is predicted to be tolerated by in silico analysis. Based on the available evidence, the clinical significance of this variant remains unclear.

GeneDx
Classification: Uncertain significance. Last evaluated: 2023-02-17. Review status: criteria provided, single submitter. Criteria: GeneDx Variant Classification Process June 2021. Collection method: clinical testing. Allele origin: germline. Affected: yes.
Comment: Not observed at significant frequency in large population cohorts (gnomAD); In silico analysis supports that this missense variant has a deleterious effect on protein structure/function; Has not been previously published as pathogenic or benign to our knowledge

NM_014915.3(ANKRD26):c.4831T>G (p.Cys1611Gly)

Gene: ANKRD26 (ankyrin repeat domain containing 26; minus strand). Cytogenetic location: 10p12.1.
Variant type: single nucleotide variant.
Coding change: c.4831T>G on transcript NM_014915.3 (MANE Select); coding-DNA position 4831, T replaced by G.
Protein change: p.Cys1611Gly; replaces cysteine 1611 with glycine.
Molecular consequence: missense variant.
Genome position (GRCh38, 1-based): chr10:27,013,004, A>C on the plus strand (T>G on the coding strand, the complement: ANKRD26 is on the minus strand). VCF-style: chr10-27013004-A-C. GRCh37 (hg19) VCF-style: chr10-27301933-A-C.
Other names: c.4828T>G, p.Cys1610Gly (NM_001256053.2); short protein forms C1610G, C1611G.
Identifiers: ClinVar variation 2576770 (VCV002576770.2), dbSNP rs1267753506, ClinGen allele CA376354737.